The following is an entry in ClinVar:

ClinVar aggregate classification (germline): Uncertain significance (1 of 4 stars; one submission).

gnomAD v4.1: 1 of 1,613,684 alleles (0.000062%); highest among the groups gnomAD compares: Non-Finnish European, 0.000085%; no homozygotes.

Submission:

Women's Health and Genetics/Laboratory Corporation of America, LabCorp
Classification: Uncertain significance. Last evaluated: 2025-10-06. Review status: criteria provided, single submitter. Criteria: LabCorp Variant Classification Summary - May 2015. Collection method: clinical testing. Allele origin: germline.
Comment: Variant summary: SHOX c.379G>A (p.Glu127Lys) results in a conservative amino acid change in the encoded protein sequence. Algorithms developed to predict the effect of missense changes on protein structure and function are either unavailable or do not agree on the potential impact of this missense change. The variant was absent in 248786 control chromosomes. The available data on variant occurrences in the general population are insufficient to allow any conclusion about variant significance. To our knowledge, no occurrence of c.379G>A in individuals affected with SHOX-related conditions and no experimental evidence demonstrating its impact on protein function have been reported. No submitters have cited clinical-significance assessments for this variant to ClinVar. Based on the evidence outlined above, the variant was classified as uncertain significance.

NM_000451.4(SHOX):c.379G>A (p.Glu127Lys)

Genes: SHOX (SHOX homeobox; plus strand), LOC107652445 (meiotic recombination hotspot SHOX; plus strand). Cytogenetic location: Xp22.33.
Variant type: single nucleotide variant.
Coding change: c.379G>A on transcript NM_000451.4 (MANE Select); coding-DNA position 379, G replaced by A.
Protein change: p.Glu127Lys; replaces glutamic acid 127 with lysine.
Molecular consequence: missense variant.
Genome position (GRCh38, 1-based): chrX:634,719, G>A. VCF-style: chrX-634719-G-A. GRCh37 (hg19) VCF-style: chrX-595454-G-A.
Other names: c.379G>A, p.Glu127Lys (NM_006883.2); short protein forms E127K.
Identifiers: ClinVar variation 4687573 (VCV004687573.1).